The following is an entry in ClinVar:

ClinVar aggregate classification (germline): Likely pathogenic. Review status: criteria provided, single submitter (1 of 4 stars). 2 submissions from 2 submitters: Likely pathogenic (1). 1 of the submissions does not count toward it. Last evaluated 2024-10-04.

Conditions:
Tall stature-intellectual disability-renal anomalies syndrome. Also called: Thauvin-Robinet-Faivre syndrome. Identifiers: Orphanet 500095, MedGen C4310715, MONDO:0014918, OMIM 617107.

Submissions (2):

Dubai Health Genomic Medicine Center, Dubai Health
Classification: Likely pathogenic for Thauvin-Robinet-Faivre syndrome. Last evaluated: 2024-10-04. Review status: criteria provided, single submitter. Criteria: ACMG Guidelines, 2015. Collection method: research. Allele origin: germline. Affected: yes.
Comment: PM4,PM2,PP1,PS3(moderate)

OMIM
Classification: Pathogenic for THAUVIN-ROBINET-FAIVRE SYNDROME. Last evaluated: 2016-09-15. Review status: no assertion criteria provided. Collection method: literature only. Allele origin: germline. Not counted in ClinVar's aggregate classification.

Literature cited by the submitters: PubMed 27183861 (cited by OMIM).

NM_004214.5(FIBP):c.175_176insTAA (p.His59delinsLeuAsn)

Gene: FIBP (FGF1 intracellular binding protein; minus strand). Cytogenetic location: 11q13.1.
Variant type: Insertion.
Coding change: c.175_176insTAA on transcript NM_004214.5 (MANE Select); coding-DNA positions 175 to 176, TAA inserted.
Protein change: p.His59delinsLeuAsn.
Molecular consequence: inframe indel.
Genome position: GRCh38 VCF-style: chr11-65888042-T-TTTA. GRCh37 (hg19) VCF-style: chr11-65655513-T-TTTA.
Other names: c.175_176insTAA, p.His59delinsLeuAsn (NM_198897.2).
Identifiers: ClinVar variation 254242 (VCV000254242.2), dbSNP rs886037928, ClinGen allele CA10586377.